The following is an entry in ClinVar:

NM_015021.3(ZNF292):c.6893G>T (p.Gly2298Val)

Gene: ZNF292 (zinc finger protein 292; plus strand). Cytogenetic location: 6q14.3.
Variant type: single nucleotide variant.
Coding change: c.6893G>T on transcript NM_015021.3 (MANE Select); coding-DNA position 6893, G replaced by T.
Protein change: p.Gly2298Val; replaces glycine 2298 with valine.
Molecular consequence: missense variant.
Genome position (GRCh38, 1-based): chr6:87,260,522, G>T. VCF-style: chr6-87260522-G-T. GRCh37 (hg19) VCF-style: chr6-87970240-G-T.
Other names: c.6473G>T, p.Gly2158Val (NM_001351444.2); short protein forms G2158V, G2298V.
Identifiers: ClinVar variation 4086665 (VCV004086665.1).

ClinVar aggregate classification (germline): Uncertain significance (1 of 4 stars; one submission).

Submission:

GeneDx
Classification: Uncertain significance. Last evaluated: 2025-03-18. Review status: criteria provided, single submitter. Criteria: GeneDx Variant Classification Process June 2021. Collection method: clinical testing. Allele origin: germline. Affected: yes.
Comment: Not observed at significant frequency in large population cohorts (gnomAD); In silico analysis supports that this missense variant has a deleterious effect on protein structure/function; Has not been previously published as pathogenic or benign to our knowledge